The following is an entry in ClinVar:

NM_001378454.1(ALMS1):c.8756CTT[1] (p.Ser2920del)

Gene: ALMS1 (ALMS1 centrosome and basal body associated protein; plus strand). Cytogenetic location: 2p13.1.
Variant type: Microsatellite.
Coding change: c.8756CTT[1] on transcript NM_001378454.1 (MANE Select); one copy of the 3-base unit CTT starting at c.8756; the reference has two copies in a row; one copy, 3 bases deleted.
Protein change: p.Ser2920del; deletes serine 2920.
Molecular consequence: inframe deletion.
Genome position (GRCh38, 1-based): chr2:73,490,718-73,490,720, CTT deleted; deleting any 3 consecutive bases within chr2:73,490,715-73,490,720 gives the same sequence; the position shown is the placement nearest the transcript's 3' end. VCF-style (leftmost placement, unchanged base first): chr2-73490714-CCTT-C. GRCh37 (hg19) VCF-style: chr2-73717841-CCTT-C.
Other names: c.8762_8764delCTT (NM_015120.4); c.8759CTT[1], p.Ser2921del (NM_015120.4); short protein forms S2921del, S2920del.
Identifiers: ClinVar variation 550956 (VCV000550956.7), dbSNP rs1553409775, ClinGen allele CA658821983.

ClinVar aggregate classification (germline): Uncertain significance. Review status: criteria provided, single submitter (1 of 4 stars). 2 submissions from 2 submitters: Uncertain significance (1). 1 of the submissions does not count toward it. Last evaluated 2022-09-27.

Conditions:
Alstrom syndrome (ALMS). Identifiers: Orphanet 64, MedGen C0268425, MONDO:0008763, OMIM 203800.

Submissions (2):

Labcorp Genetics (formerly Invitae), Labcorp
Classification: Uncertain significance for Alstrom syndrome. Last evaluated: 2022-09-27. Review status: criteria provided, single submitter. Criteria: Invitae Variant Classification Sherloc (09022015). Collection method: clinical testing. Allele origin: germline.
Comment: This variant, c.8762_8764del, results in the deletion of 1 amino acid(s) of the ALMS1 protein (p.Ser2921del), but otherwise preserves the integrity of the reading frame. This variant is not present in population databases (gnomAD no frequency). This variant has not been reported in the literature in individuals affected with ALMS1-related conditions. ClinVar contains an entry for this variant (Variation ID: 550956). Experimental studies and prediction algorithms are not available or were not evaluated, and the functional significance of this variant is currently unknown. In summary, the available evidence is currently insufficient to determine the role of this variant in disease. Therefore, it has been classified as a Variant of Uncertain Significance.

Counsyl
Classification: Uncertain significance for Alstrom syndrome. Last evaluated: 2017-03-14. Review status: no assertion criteria provided. Collection method: clinical testing. Allele origin: unknown. Not counted in ClinVar's aggregate classification.